The following is an entry in ClinVar:

ClinVar aggregate classification (germline): Uncertain significance (1 of 4 stars; one submission).

Conditions:
Hereditary cancer-predisposing syndrome. Also called: Neoplastic Syndromes, Hereditary; Tumor predisposition; Hereditary Cancer Syndrome; Hereditary neoplastic syndrome. Identifiers: Orphanet 140162, MedGen C0027672, MeSH D009386, MONDO:0015356.

Submission:

Ambry Genetics
Classification: Uncertain significance for Hereditary cancer-predisposing syndrome. Last evaluated: 2025-12-17. Review status: criteria provided, single submitter. Criteria: Ambry Variant Classification Scheme 2023. Collection method: clinical testing. Allele origin: germline.
Comment: The c.6520_6521delTCinsAT variant, located in coding exon 46 of the POLE gene, results from an in-frame deletion of TC and insertion of AT at nucleotide positions 6520 to 6521. This results in the substitution of the serine residue for an isoleucine residue at codon 2174, an amino acid with dissimilar properties. This amino acid position is not well conserved in available vertebrate species. Based on the available evidence, the clinical significance of this variant remains unclear.

NM_006231.4(POLE):c.6520_6521delinsAT (p.Ser2174Ile)

Gene: POLE (DNA polymerase epsilon, catalytic subunit; minus strand). Cytogenetic location: 12q24.33.
Variant type: Indel.
Coding change: c.6520_6521delinsAT on transcript NM_006231.4 (MANE Select); coding-DNA positions 6520 to 6521, TC replaced by AT.
Protein change: p.Ser2174Ile; replaces serine 2174 with isoleucine.
Molecular consequence: missense variant.
Genome position (GRCh38, 1-based): chr12:132,626,127-132,626,128, GA replaced by AT on the plus strand (TC replaced by AT on the coding strand, the reverse complement: POLE is on the minus strand). VCF-style: chr12-132626127-GA-AT. GRCh37 (hg19) VCF-style: chr12-133202713-GA-AT.
Other names: short protein forms S2174I.
Identifiers: ClinVar variation 4841490 (VCV004841490.1).
Genomic context (GRCh38, chr12:132,626,127, plus strand): 5'-CCTCGGATGTTCTGCTCCACAGTGAAGGGCCCGCTGGAGCTCAGCCGCACCTCTGAGAAG[GA>AT]AGAGTCTTTACACAGGTCCAGGTCGCGGCAGAAGTTACAGCTGCGGCAGATGACCTCAGG-3'
Protein context (NP_006222.2, residues 2164-2184): CRDLDLCKDS[Ser2174Ile]FSEDGAVLPQ